The following is an entry in ClinVar:

NM_153240.5(NPHP3):c.359A>T (p.Asp120Val)

Genes: NPHP3 (nephrocystin 3; minus strand), NPHP3-ACAD11 (NPHP3-ACAD11 readthrough (NMD candidate); minus strand), NPHP3-AS1 (NPHP3 antisense RNA 1; plus strand). Cytogenetic location: 3q22.1.
Variant type: single nucleotide variant.
Coding change: c.359A>T on transcript NM_153240.5 (MANE Select); coding-DNA position 359, A replaced by T.
Protein change: p.Asp120Val; replaces aspartic acid 120 with valine.
Molecular consequence: missense variant. On other transcripts: non-coding transcript variant (3).
Genome position (GRCh38, 1-based): chr3:132,721,997, T>A on the plus strand (A>T on the coding strand, the complement: NPHP3 is on the minus strand). VCF-style: chr3-132721997-T-A. GRCh37 (hg19) VCF-style: chr3-132440841-T-A.
Other names: short protein forms D120V.
Identifiers: ClinVar variation 2062519 (VCV002062519.4), dbSNP rs2530520270, ClinGen allele CA354588839.

ClinVar aggregate classification (germline): Uncertain significance (1 of 4 stars; one submission).

Conditions:
Nephronophthisis. Also called: Juvenile Nephronophthisis. Identifiers: Orphanet 655, MedGen C0687120, MONDO:0019005, HP:0000090.

Submission:

Labcorp Genetics (formerly Invitae), Labcorp
Classification: Uncertain significance for Nephronophthisis. Last evaluated: 2025-03-17. Review status: criteria provided, single submitter. Criteria: Invitae Variant Classification Sherloc (09022015). Collection method: clinical testing. Allele origin: germline.
Comment: This sequence change replaces aspartic acid, which is acidic and polar, with valine, which is neutral and non-polar, at codon 120 of the NPHP3 protein (p.Asp120Val). This variant is not present in population databases (gnomAD no frequency). This variant has not been reported in the literature in individuals affected with NPHP3-related conditions. ClinVar contains an entry for this variant (Variation ID: 2062519). Invitae Evidence Modeling of protein sequence and biophysical properties (such as structural, functional, and spatial information, amino acid conservation, physicochemical variation, residue mobility, and thermodynamic stability) indicates that this missense variant is not expected to disrupt NPHP3 protein function with a negative predictive value of 80%. In summary, the available evidence is currently insufficient to determine the role of this variant in disease. Therefore, it has been classified as a Variant of Uncertain Significance.